The following is an entry in ClinVar:

ClinVar aggregate classification (germline): Pathogenic, low penetrance (1 of 4 stars; one submission).

Conditions:
Atypical hemolytic-uremic syndrome. Identifiers: Orphanet 2134, MedGen C2931788, MONDO:0016244.

Submission:

Genomenon, Inc
Classification: Pathogenic, low penetrance for Atypical hemolytic-uremic syndrome. Last evaluated: 2025-10-02. Review status: criteria provided, single submitter. Criteria: Genomenon Sequence Variant Interpretation Standards - Updated. Collection method: curation. Allele origin: germline. Affected: yes.
Comment: CFH p.Trp978Ter (c.2933G>A) is a nonsense variant that introduces a premature stop codon at amino acid position 978, creating a truncated protein that is predicted to undergo nonsense-mediated mRNA decay. This variant has been observed in at least one proband affected with atypical hemolytic-uremic syndrome (PMID:30890598). It is absent or not present at a significant frequency in gnomAD. In conclusion, we classify CFH p.Trp978Ter (c.2933G>A) as a pathogenic, low penetrance variant.

Literature cited by the submitters: PubMed 30890598.

NM_000186.4(CFH):c.2933G>A (p.Trp978Ter)

Gene: CFH (complement factor H; plus strand). Cytogenetic location: 1q31.3.
Variant type: single nucleotide variant.
Coding change: c.2933G>A on transcript NM_000186.4 (MANE Select); coding-DNA position 2933, G replaced by A.
Protein change: p.Trp978Ter; replaces tryptophan 978 with a stop codon.
Molecular consequence: nonsense.
Genome position (GRCh38, 1-based): chr1:196,740,769, G>A. VCF-style: chr1-196740769-G-A. GRCh37 (hg19) VCF-style: chr1-196709899-G-A.
Other names: short protein forms W978*.
Identifiers: ClinVar variation 4291665 (VCV004291665.1).